The following is an entry in ClinVar:

ClinVar aggregate classification (germline): Conflicting classifications of pathogenicity. Review status: criteria provided, conflicting classifications (1 of 4 stars). 5 submissions from 5 submitters: Uncertain significance (1); Likely benign (3). 1 of the submissions does not count toward it. Last evaluated 2025-08-21.

Conditions:
Inborn genetic diseases. Identifiers: MedGen C0950123, MeSH D030342.
Familial sleep-related hypermotor epilepsy. Also called: Autosomal Dominant Sleep-Related Hypermotor (Hyperkinetic) Epilepsy. Identifiers: Orphanet 98784, MedGen C3696898, MONDO:0000030.
Tobacco use disorder. Identifiers: MedGen C0040336.

Allele frequency attached by ClinVar (database versions not stated): TOPMed 0.00003; gnomAD 0.00004; gnomAD exomes 0.00004; ExAC 0.00015.
gnomAD v4.1: 70 of 1,532,042 alleles (0.0046%); highest among the groups gnomAD compares: African/African-American, 0.0055%; 1 homozygote.

Submissions (5):

Labcorp Genetics (formerly Invitae), Labcorp
Classification: Likely benign. Last evaluated: 2025-08-21. Review status: criteria provided, single submitter. Criteria: Invitae Variant Classification Sherloc (09022015). Collection method: clinical testing. Allele origin: germline.

CeGaT Center for Human Genetics Tuebingen
Classification: Likely benign. Last evaluated: 2025-05-01. Review status: criteria provided, single submitter. Criteria: CeGaT Center For Human Genetics Tuebingen Variant Classification Criteria Version 2. Collection method: clinical testing. Allele origin: germline. Affected: yes. Observed: 1 variant allele.
Comment: CHRNA4: BP4, BS2

GeneDx
Classification: Likely benign. Last evaluated: 2020-07-16. Review status: criteria provided, single submitter. Criteria: GeneDx Variant Classification Process June 2021. Collection method: clinical testing. Allele origin: germline. Affected: yes.
Comment: This variant is associated with the following publications: (PMID: 21683344)

Ambry Genetics
Classification: Uncertain significance for Inborn genetic diseases. Last evaluated: 2018-01-16. Review status: criteria provided, single submitter. Criteria: Ambry Variant Classification Scheme 2023. Collection method: clinical testing. Allele origin: germline.
Comment: The p.V468I variant (also known as c.1402G>A), located in coding exon 5 of the CHRNA4 gene, results from a G to A substitution at nucleotide position 1402. The valine at codon 468 is replaced by isoleucine, an amino acid with highly similar properties. This amino acid position is not well conserved in available vertebrate species. In addition, this alteration is predicted to be tolerated by in silico analysis. Since supporting evidence is limited at this time, the clinical significance of this alteration remains unclear.

Psychiatry Genetics Yale University
No classification provided. Review status: no classification provided. Collection method: not provided. Allele origin: somatic. Not counted in ClinVar's aggregate classification.

NM_000744.7(CHRNA4):c.1402G>A (p.Val468Ile)

Gene: CHRNA4 (cholinergic receptor nicotinic alpha 4 subunit; minus strand). Cytogenetic location: 20q13.33.
Variant type: single nucleotide variant.
Coding change: c.1402G>A on transcript NM_000744.7 (MANE Select); coding-DNA position 1402, G replaced by A.
Protein change: p.Val468Ile; replaces valine 468 with isoleucine.
Molecular consequence: missense variant. On other transcripts: non-coding transcript variant (1).
Genome position (GRCh38, 1-based): chr20:63,350,009, C>T on the plus strand (G>A on the coding strand, the complement: CHRNA4 is on the minus strand). VCF-style: chr20-63350009-C-T. GRCh37 (hg19) VCF-style: chr20-61981361-C-T.
Other names: c.874G>A, p.Val292Ile (NM_001256573.2); short protein forms V468I, V292I.
Identifiers: ClinVar variation 98316 (VCV000098316.22), dbSNP rs121912278, ClinGen allele CA150412.